The following is an entry in ClinVar:

ClinVar aggregate classification (germline): Pathogenic (1 of 4 stars; one submission).

Conditions:
Sitosterolemia (STSL). Also called: PHYTOSTEROLEMIA. Identifiers: Orphanet 2882, MedGen C0342907, MONDO:0008863.

Submission:

Labcorp Genetics (formerly Invitae), Labcorp
Classification: Pathogenic for Sitosterolemia. Last evaluated: 2025-10-21. Review status: criteria provided, single submitter. Criteria: Invitae Variant Classification Sherloc (09022015). Collection method: clinical testing. Allele origin: germline.
Comment: This sequence change creates a premature translational stop signal (p.Val380*) in the ABCG5 gene. It is expected to result in an absent or disrupted protein product. Loss-of-function variants in ABCG5 are known to be pathogenic (PMID: 11138003, 25665839). This variant is present in population databases (rs755809709, gnomAD 0.0009%). This variant has not been reported in the literature in individuals affected with ABCG5-related conditions. ClinVar contains an entry for this variant (Variation ID: 1437547). For these reasons, this variant has been classified as Pathogenic.

Literature cited by the submitters: PubMed 11138003; PubMed 25665839.

NM_022436.3(ABCG5):c.1138del (p.Leu379_Val380insTer)

Genes: ABCG5 (ATP binding cassette subfamily G member 5; minus strand), DYNC2LI1 (dynein cytoplasmic 2 light intermediate chain 1; plus strand). Cytogenetic location: 2p21.
Variant type: Deletion.
Coding change: c.1138del on transcript NM_022436.3 (MANE Select); coding-DNA position 1138, one base deleted (G; older notation c.1138delG).
Protein change: p.Leu379_Val380insTer.
Molecular consequence: nonsense. On other transcripts: intron variant (2).
Genome position (GRCh38, 1-based): chr2:43,824,099, C deleted on the plus strand (G on the coding strand, the reverse complement: ABCG5 is on the minus strand); the first of 2 consecutive C bases (chr2:43,824,099-43,824,100); deleting either gives the same sequence. VCF-style (leftmost placement, unchanged base first): chr2-43824098-AC-A. GRCh37 (hg19) VCF-style: chr2-44051237-AC-A.
Other names: c.*16-3286del (NM_001348913.2, NM_001348912.2).
Identifiers: ClinVar variation 1437547 (VCV001437547.7), dbSNP rs755809709, ClinGen allele CA1636384.